The following is an entry in ClinVar:

ClinVar aggregate classification (germline): Likely benign (1 of 4 stars; one submission).

Conditions:
ADCY3-related disorder. Also called: ADCY3-related condition.

gnomAD v4.1: 3 of 1,614,232 alleles (0.00019%); highest among the groups gnomAD compares: Non-Finnish European, 0.00017%; no homozygotes.

Submission:

PreventionGenetics, part of Exact Sciences
Classification: Likely benign for ADCY3-related condition. Last evaluated: 2025-03-24. Review status: criteria provided, single submitter. Criteria: ACMG Guidelines, 2015. Collection method: clinical testing. Allele origin: germline.
Comment: This variant is classified as likely benign based on ACMG/AMP sequence variant interpretation guidelines (Richards et al. 2015 PMID: 25741868, with internal and published modifications).

NM_004036.5(ADCY3):c.2628C>T (p.Asp876=)

Gene: ADCY3 (adenylate cyclase 3; minus strand). Cytogenetic location: 2p23.3.
Variant type: single nucleotide variant.
Coding change: c.2628C>T on transcript NM_004036.5 (MANE Select); coding-DNA position 2628, C replaced by T.
Protein change: p.Asp876=; no amino-acid change (aspartic acid 876 retained).
Molecular consequence: synonymous variant.
Genome position (GRCh38, 1-based): chr2:24,824,486, G>A on the plus strand (C>T on the coding strand, the complement: ADCY3 is on the minus strand). VCF-style: chr2-24824486-G-A. GRCh37 (hg19) VCF-style: chr2-25047355-G-A.
Other names: c.2631C>T, p.Asp877= (NM_001320613.2); c.2694C>T, p.Asp898= (NM_001377128.1); c.2490C>T, p.Asp830= (NM_001377129.1); c.2223C>T, p.Asp741= (NM_001377130.1); c.1905C>T, p.Asp635= (NM_001377131.1); c.2628C>T, p.Asp876= (NM_001377132.1).
Identifiers: ClinVar variation 4985960 (VCV004985960.1).